The following is an entry in ClinVar:

ClinVar aggregate classification (germline): Uncertain significance (1 of 4 stars; one submission).

Submission:

Labcorp Genetics (formerly Invitae), Labcorp
Classification: Uncertain significance. Last evaluated: 2025-06-11. Review status: criteria provided, single submitter. Criteria: Invitae Variant Classification Sherloc (09022015). Collection method: clinical testing. Allele origin: germline.
Comment: This sequence change replaces glutamic acid, which is acidic and polar, with glutamine, which is neutral and polar, at codon 1740 of the COL11A1 protein (p.Glu1740Gln). This variant is not present in population databases (gnomAD no frequency). This variant has not been reported in the literature in individuals affected with COL11A1-related conditions. ClinVar contains an entry for this variant (Variation ID: 844278). Invitae Evidence Modeling of protein sequence and biophysical properties (such as structural, functional, and spatial information, amino acid conservation, physicochemical variation, residue mobility, and thermodynamic stability) indicates that this missense variant is not expected to disrupt COL11A1 protein function with a negative predictive value of 80%. In summary, the available evidence is currently insufficient to determine the role of this variant in disease. Therefore, it has been classified as a Variant of Uncertain Significance.

NM_001854.4(COL11A1):c.5218G>C (p.Glu1740Gln)

Genes: COL11A1 (collagen type XI alpha 1 chain; minus strand), LOC126805814 (P300/CBP strongly-dependent group 1 enhancer GRCh37_chr1:103344928-103346127; plus strand). Cytogenetic location: 1p21.1.
Variant type: single nucleotide variant.
Coding change: c.5218G>C on transcript NM_001854.4 (MANE Select); coding-DNA position 5218, G replaced by C.
Protein change: p.Glu1740Gln; replaces glutamic acid 1740 with glutamine.
Molecular consequence: missense variant. On other transcripts: non-coding transcript variant (1).
Genome position (GRCh38, 1-based): chr1:102,879,739, C>G on the plus strand (G>C on the coding strand, the complement: COL11A1 is on the minus strand). VCF-style: chr1-102879739-C-G. GRCh37 (hg19) VCF-style: chr1-103345295-C-G.
Other names: c.5101G>C, p.Glu1701Gln (NM_001190709.2); c.5254G>C, p.Glu1752Gln (NM_080629.3); c.4870G>C, p.Glu1624Gln (NM_080630.4); short protein forms E1701Q, E1624Q, E1740Q, E1752Q.
Identifiers: ClinVar variation 844278 (VCV000844278.11), dbSNP rs1649991518, ClinGen allele CA341210850.